The following is an entry in ClinVar:

ClinVar aggregate classification (germline): Likely pathogenic (1 of 4 stars; one submission).

Conditions:
Early-infantile DEE. Also called: Ohtahara syndrome; Early infantile epileptic encephalopathy with suppression bursts; Early infantile epileptic encephalopathy. Identifiers: Orphanet 1934, MedGen C0393706, MONDO:0800491.

Submission:

Labcorp Genetics (formerly Invitae), Labcorp
Classification: Likely pathogenic for Early-infantile DEE. Last evaluated: 2020-03-18. Review status: criteria provided, single submitter. Criteria: Invitae Variant Classification Sherloc (09022015). Collection method: clinical testing. Allele origin: germline.
Comment: This variant is not present in population databases (ExAC no frequency). In summary, the currently available evidence indicates that the variant is pathogenic, but additional data are needed to prove that conclusively. Therefore, this variant has been classified as Likely Pathogenic. Algorithms developed to predict the effect of missense changes on protein structure and function are either unavailable or do not agree on the potential impact of this missense change (SIFT: "Deleterious"; PolyPhen-2: "Benign"; Align-GVGD: "Class C25"). This variant has been observed in individual(s) with clinical features of SPTAN1-related conditions (Invitae). In at least one individual the variant was observed to be de novo. This sequence change replaces serine with cysteine at codon 1732 of the SPTAN1 protein (p.Ser1732Cys). The serine residue is highly conserved and there is a moderate physicochemical difference between serine and cysteine.

NM_001130438.3(SPTAN1):c.5194A>T (p.Ser1732Cys)

Gene: SPTAN1 (spectrin alpha, non-erythrocytic 1; plus strand). Cytogenetic location: 9q34.11.
Variant type: single nucleotide variant.
Coding change: c.5194A>T on transcript NM_001130438.3 (MANE Select); coding-DNA position 5194, A replaced by T.
Protein change: p.Ser1732Cys; replaces serine 1732 with cysteine.
Molecular consequence: missense variant.
Genome position (GRCh38, 1-based): chr9:128,615,677, A>T. VCF-style: chr9-128615677-A-T. GRCh37 (hg19) VCF-style: chr9-131377956-A-T.
Other names: c.5119A>T, p.Ser1707Cys (NM_001195532.2); c.5194A>T, p.Ser1732Cys (NM_001363759.2, NM_001375310.1, NM_001375311.2 and 1 more transcripts); c.5134A>T, p.Ser1712Cys (NM_001363765.2, NM_001375314.2); c.5230A>T, p.Ser1744Cys (NM_001375312.2, NM_001375318.1); c.5179A>T, p.Ser1727Cys (NM_003127.4); short protein forms S1707C, S1712C, S1727C, S1732C, S1744C.
Identifiers: ClinVar variation 1068302 (VCV001068302.10), dbSNP rs2131744077, ClinGen allele CA375074305.